The following is an entry in ClinVar:

NM_000266.4(NDP):c.220C>A (p.Arg74Ser)

Genes: NDP (norrin cystine knot growth factor NDP; minus strand), NDP-AS1 (NDP antisense RNA 1; plus strand). Cytogenetic location: Xp11.3.
Variant type: single nucleotide variant.
Coding change: c.220C>A on transcript NM_000266.4 (MANE Select); coding-DNA position 220, C replaced by A.
Protein change: p.Arg74Ser; replaces arginine 74 with serine.
Molecular consequence: missense variant. On other transcripts: non-coding transcript variant (1).
Genome position (GRCh38, 1-based): chrX:43,949,981, G>T on the plus strand (C>A on the coding strand, the complement: NDP is on the minus strand). VCF-style: chrX-43949981-G-T. GRCh37 (hg19) VCF-style: chrX-43809227-G-T.
Other names: short protein forms R74S.
Identifiers: ClinVar variation 1969466 (VCV001969466.5), dbSNP rs727504031, ClinGen allele CA413007861.

ClinVar aggregate classification (germline): Uncertain significance (1 of 4 stars; one submission).

Submission:

Labcorp Genetics (formerly Invitae), Labcorp
Classification: Uncertain significance. Last evaluated: 2022-03-09. Review status: criteria provided, single submitter. Criteria: Invitae Variant Classification Sherloc (09022015). Collection method: clinical testing. Allele origin: germline.
Comment: This variant is not present in population databases (gnomAD no frequency). This variant has not been reported in the literature in individuals affected with NDP-related conditions. Algorithms developed to predict the effect of missense changes on protein structure and function are either unavailable or do not agree on the potential impact of this missense change (SIFT: "Deleterious"; PolyPhen-2: "Benign"; Align-GVGD: "Class C65"). This variant disrupts the p.Arg74 amino acid residue in NDP. Other variant(s) that disrupt this residue have been determined to be pathogenic (PMID: 1307245, 15776010, 22563645, 23141577). This suggests that this residue is clinically significant, and that variants that disrupt this residue are likely to be disease-causing. In summary, the available evidence is currently insufficient to determine the role of this variant in disease. Therefore, it has been classified as a Variant of Uncertain Significance. This sequence change replaces arginine, which is basic and polar, with serine, which is neutral and polar, at codon 74 of the NDP protein (p.Arg74Ser).

Literature cited by the submitters: PubMed 1307245; PubMed 15776010; PubMed 22563645; PubMed 23141577.